The following is an entry in ClinVar:

ClinVar aggregate classification (germline): Conflicting classifications of pathogenicity. Review status: criteria provided, conflicting classifications (1 of 4 stars). 13 submissions from 13 submitters: Uncertain significance (1); Benign (5); Likely benign (4). 3 of the submissions do not count toward it. Last evaluated 2026-09-01.

Conditions:
Inborn genetic diseases. Identifiers: MedGen C0950123, MeSH D030342.
Glycine encephalopathy. Also called: Nonketotic hyperglycinemia; Non-ketotic hyperglycinemia. Identifiers: Orphanet 407, MedGen C0751748, MONDO:0011612, HP:0008288.

Allele frequency attached by ClinVar (database versions not stated): ESP Exome Variant Server 0.00231; TOPMed 0.00238; 1000 Genomes Project 30x 0.00281; 1000 Genomes Project 0.00300; ExAC 0.00365; gnomAD exomes 0.00370; gnomAD 0.00405.
gnomAD v4.1: 4,532 of 1,611,080 alleles (0.28%); highest among the groups gnomAD compares: Middle Eastern, 3.2%; 30 homozygotes.

Submissions (13):

CeGaT Center for Human Genetics Tuebingen
Classification: Likely benign. Last evaluated: 2026-09-01. Review status: criteria provided, single submitter. Criteria: CeGaT Center For Human Genetics Tuebingen Variant Classification Criteria Version 2. Collection method: clinical testing. Allele origin: germline. Affected: yes. Observed: 34 variant alleles.
Comment: GLDC: BS2

Labcorp Genetics (formerly Invitae), Labcorp
Classification: Benign for Glycine encephalopathy. Last evaluated: 2026-02-04. Review status: criteria provided, single submitter. Criteria: Invitae Variant Classification Sherloc (09022015). Collection method: clinical testing. Allele origin: germline.

Genomic Medicine Center of Excellence, King Faisal Specialist Hospital and Research Centre
Classification: Likely benign. Last evaluated: 2025-07-30. Review status: criteria provided, single submitter. Criteria: ACMG Guidelines, 2015. Collection method: clinical testing. Allele origin: germline.

Ambry Genetics
Classification: Likely benign for Inborn genetic diseases. Last evaluated: 2025-07-16. Review status: criteria provided, single submitter. Criteria: Ambry Variant Classification Scheme 2023. Collection method: clinical testing. Allele origin: germline.

Blueprint Genetics
Classification: Likely benign. Last evaluated: 2024-11-21. Review status: criteria provided, single submitter. Criteria: ACMG Guidelines, 2015. Collection method: clinical testing. Allele origin: germline.

Athena Diagnostics
Classification: Benign. Last evaluated: 2024-02-01. Review status: criteria provided, single submitter. Criteria: Athena Diagnostics Criteria. Collection method: clinical testing. Allele origin: unknown.

Mayo Clinic Laboratories, Mayo Clinic
Classification: Benign. Last evaluated: 2022-08-30. Review status: criteria provided, single submitter. Criteria: ACMG Guidelines, 2015. Collection method: clinical testing. Allele origin: germline. Observed: 3 variant alleles.
Comment: BS1, BS2, BP2

Women's Health and Genetics/Laboratory Corporation of America, LabCorp
Classification: Benign. Last evaluated: 2022-03-03. Review status: criteria provided, single submitter. Criteria: LabCorp Variant Classification Summary - May 2015. Collection method: clinical testing. Allele origin: germline.
Comment: Variant summary: GLDC c.2113G>A (p.Val705Met) results in a conservative amino acid change in the encoded protein sequence. Four of five in-silico tools predict a damaging effect of the variant on protein function. The variant allele was found at a frequency of 0.0037 in 251452 control chromosomes in the gnomAD database, including 4 homozygotes. The observed variant frequency is approximately 1.2 fold of the estimated maximal expected allele frequency for a pathogenic variant in GLDC causing Glycine Encephalopathy (Non-Ketotic Hyperglycinemia) phenotype (0.0031), strongly suggesting that the variant is benign. Although reported in the literature, to our knowledge, no penetrant association of c.2113G>A in individuals affected with Glycine Encephalopathy (Non-Ketotic Hyperglycinemia) and no experimental evidence demonstrating its impact on protein function have been reported. Six clinical diagnostic laboratories have submitted clinical-significance assessments for this variant to ClinVar after 2014 without evidence for independent evaluation and a majority consensus as benign/likely benign. Based on the evidence outlined above, the variant was classified as benign.

GeneDx
Classification: Benign. Last evaluated: 2018-10-02. Review status: criteria provided, single submitter. Criteria: GeneDx Variant Classification Process June 2021. Collection method: clinical testing. Allele origin: germline. Affected: yes.
Comment: This variant is associated with the following publications: (PMID: 28116331, 27362913, 27884173, 16601880)

Illumina Laboratory Services, Illumina
Classification: Uncertain significance for Glycine encephalopathy 1. Last evaluated: 2017-04-27. Review status: criteria provided, single submitter. Criteria: ICSL Variant Classification Criteria 13 December 2019. Collection method: clinical testing. Allele origin: germline.
Comment: This variant was observed as part of a predisposition screen in an ostensibly healthy population. A literature search was performed for the gene, cDNA change, and amino acid change (where applicable). Publications were found based on this search. However, the evidence from the literature, in combination with allele frequency data from public databases where available, was not sufficient to rule this variant in or out of causing disease. Therefore, this variant is classified as a variant of unknown significance.

Natera, Inc.
Classification: Benign for Non-ketotic hyperglycinemia. Last evaluated: 2020-01-11. Review status: no assertion criteria provided. Collection method: clinical testing. Allele origin: germline. Not counted in ClinVar's aggregate classification.

Clinical Genetics DNA and cytogenetics Diagnostics Lab, Erasmus MC, Erasmus Medical Center
Classification: Benign. Review status: no assertion criteria provided. Collection method: clinical testing. Allele origin: germline. Affected: yes. Study: VKGL Data-share Consensus. Not counted in ClinVar's aggregate classification.

Genome Diagnostics Laboratory, University Medical Center Utrecht
Classification: Benign. Review status: no assertion criteria provided. Collection method: clinical testing. Allele origin: germline. Affected: yes. Study: VKGL Data-share Consensus. Not counted in ClinVar's aggregate classification.

Literature cited by the submitters: PubMed 33791923 (cited by Athena Diagnostics); PubMed 16601880 (cited by 3 submitters); PubMed 27884173 (cited by Athena Diagnostics and Mayo Clinic Laboratories, Mayo Clinic); PubMed 27362913 (cited by Athena Diagnostics and Mayo Clinic Laboratories, Mayo Clinic); PubMed 28116331 (cited by Athena Diagnostics and Mayo Clinic Laboratories, Mayo Clinic); PubMed 29232014 (cited by Mayo Clinic Laboratories, Mayo Clinic); PubMed 32421718 (cited by Mayo Clinic Laboratories, Mayo Clinic); PubMed 16450403 (cited by Illumina Laboratory Services, Illumina).

NM_000170.3(GLDC):c.2113G>A (p.Val705Met)

Gene: GLDC (glycine decarboxylase; minus strand). Cytogenetic location: 9p24.1.
Variant type: single nucleotide variant.
Coding change: c.2113G>A on transcript NM_000170.3 (MANE Select); coding-DNA position 2113, G replaced by A.
Protein change: p.Val705Met; replaces valine 705 with methionine.
Molecular consequence: missense variant.
Genome position (GRCh38, 1-based): chr9:6,556,242, C>T on the plus strand (G>A on the coding strand, the complement: GLDC is on the minus strand). VCF-style: chr9-6556242-C-T. GRCh37 (hg19) VCF-style: chr9-6556242-C-T.
Other names: p.Val705Met; short protein forms V705M.
Identifiers: ClinVar variation 462865 (VCV000462865.64), dbSNP rs147275962, ClinGen allele CA4980386.